The following is an entry in ClinVar:

ClinVar aggregate classification (germline): Uncertain significance (1 of 4 stars; one submission).

Allele frequency attached by ClinVar (database versions not stated): gnomAD exomes 0.00001; TOPMed 0.00002; gnomAD 0.00003.
gnomAD v4.1: 20 of 1,551,888 alleles (0.0013%); highest among the groups gnomAD compares: African/African-American, 0.0055%; no homozygotes.

Submission:

Labcorp Genetics (formerly Invitae), Labcorp
Classification: Uncertain significance. Last evaluated: 2023-10-12. Review status: criteria provided, single submitter. Criteria: Invitae Variant Classification Sherloc (09022015). Collection method: clinical testing. Allele origin: germline.
Comment: This sequence change replaces proline, which is neutral and non-polar, with serine, which is neutral and polar, at codon 1116 of the ZSWIM6 protein (p.Pro1116Ser). This variant is not present in population databases (gnomAD no frequency). This variant has not been reported in the literature in individuals affected with ZSWIM6-related conditions. ClinVar contains an entry for this variant (Variation ID: 1447637). Advanced modeling of protein sequence and biophysical properties (such as structural, functional, and spatial information, amino acid conservation, physicochemical variation, residue mobility, and thermodynamic stability) performed at Invitae indicates that this missense variant is not expected to disrupt ZSWIM6 protein function. In summary, the available evidence is currently insufficient to determine the role of this variant in disease. Therefore, it has been classified as a Variant of Uncertain Significance.

NM_020928.2(ZSWIM6):c.3346C>T (p.Pro1116Ser)

Gene: ZSWIM6 (zinc finger SWIM-type containing 6; plus strand). Cytogenetic location: 5q12.1.
Variant type: single nucleotide variant.
Coding change: c.3346C>T on transcript NM_020928.2 (MANE Select); coding-DNA position 3346, C replaced by T.
Protein change: p.Pro1116Ser; replaces proline 1116 with serine.
Molecular consequence: missense variant.
Genome position (GRCh38, 1-based): chr5:61,544,015, C>T. VCF-style: chr5-61544015-C-T. GRCh37 (hg19) VCF-style: chr5-60839842-C-T.
Other names: short protein forms P1116S.
Identifiers: ClinVar variation 1447637 (VCV001447637.8), dbSNP rs1029467329, ClinGen allele CA119664273.